The following is an entry in ClinVar:

NM_005765.3(ATP6AP2):c.365C>T (p.Pro122Leu)

Gene: ATP6AP2 (ATPase H+ transporting accessory protein 2; plus strand). Cytogenetic location: Xp11.4.
Variant type: single nucleotide variant.
Coding change: c.365C>T on transcript NM_005765.3 (MANE Select); coding-DNA position 365, C replaced by T.
Protein change: p.Pro122Leu; replaces proline 122 with leucine.
Molecular consequence: missense variant.
Genome position (GRCh38, 1-based): chrX:40,597,313, C>T. VCF-style: chrX-40597313-C-T. GRCh37 (hg19) VCF-style: chrX-40456565-C-T.
Other names: c.365C>T (NM_005765.2); short protein forms P122L.
Identifiers: ClinVar variation 2844074 (VCV002844074.5), dbSNP rs2518964320, ClinGen allele CA412755388.
Genomic context (GRCh38, chrX:40,597,313, plus strand): 5'-TTCCTTTTAGTCTTGACAGTGTTGCAAATTCCATTCACTCCTTATTTTCTGAGGAAACTC[C>T]TGTTGTTTTGCAGTTGGCTCCCAGTGAGGAAGTAAGTGATAAGGGTTTTATTCAAGACAT-3'
Protein context (NP_005756.2, residues 112-132): SIHSLFSEET[Pro122Leu]VVLQLAPSEE

ClinVar aggregate classification (germline): Conflicting classifications of pathogenicity. Review status: criteria provided, conflicting classifications (1 of 4 stars). 2 submissions from 2 submitters: Likely pathogenic (1); Uncertain significance (1). Last evaluated 2025-02-26.

Conditions:
Intellectual developmental disorder, X-linked, syndromic, Hedera type. Also called: Syndromic X-linked intellectual disability Hedera type. Identifiers: Orphanet 93952, MedGen C1845543, MONDO:0010319, OMIM 300423.

Submissions (2):

GeneDx
Classification: Likely pathogenic. Last evaluated: 2025-02-26. Review status: criteria provided, single submitter. Criteria: GeneDx Variant Classification Process June 2021. Collection method: clinical testing. Allele origin: germline. Affected: yes.
Comment: Has not been previously published as pathogenic or benign to our knowledge; Not observed at significant frequency in large population cohorts (gnomAD); In silico analysis supports that this missense variant has a deleterious effect on protein structure/function; In silico analysis is inconclusive as to whether the variant alters gene splicing. In the absence of RNA/functional studies, the actual effect of this sequence change is unknown.

Labcorp Genetics (formerly Invitae), Labcorp
Classification: Uncertain significance for Intellectual developmental disorder, X-linked, syndromic, Hedera type. Last evaluated: 2023-03-08. Review status: criteria provided, single submitter. Criteria: Invitae Variant Classification Sherloc (09022015). Collection method: clinical testing. Allele origin: germline.
Comment: This variant has not been reported in the literature in individuals affected with ATP6AP2-related conditions. This sequence change replaces proline, which is neutral and non-polar, with leucine, which is neutral and non-polar, at codon 122 of the ATP6AP2 protein (p.Pro122Leu). This variant is not present in population databases (gnomAD no frequency). Advanced modeling of protein sequence and biophysical properties (such as structural, functional, and spatial information, amino acid conservation, physicochemical variation, residue mobility, and thermodynamic stability) performed at Invitae indicates that this missense variant is not expected to disrupt ATP6AP2 protein function. Algorithms developed to predict the effect of sequence changes on RNA splicing suggest that this variant may disrupt the consensus splice site. In summary, the available evidence is currently insufficient to determine the role of this variant in disease. Therefore, it has been classified as a Variant of Uncertain Significance.